The following is an entry in ClinVar:

NM_000051.4(ATM):c.7059T>C (p.Pro2353=)

Genes: ATM (ATM serine/threonine kinase; plus strand), C11orf65 (chromosome 11 open reading frame 65; minus strand). Cytogenetic location: 11q22.3.
Variant type: single nucleotide variant.
Coding change: c.7059T>C on transcript NM_000051.4 (MANE Select); coding-DNA position 7059, T replaced by C.
Protein change: p.Pro2353=; no amino-acid change (proline 2353 retained).
Molecular consequence: synonymous variant. On other transcripts: intron variant (2).
Genome position (GRCh38, 1-based): chr11:108,327,728, T>C. VCF-style: chr11-108327728-T-C. GRCh37 (hg19) VCF-style: chr11-108198455-T-C.
Other names: c.7059T>C, p.Pro2353= (NM_001351834.2); c.641-18657A>G (NM_001330368.2); c.*38+7492A>G (NM_001351110.2).
Identifiers: ClinVar variation 1756909 (VCV001756909.8), dbSNP rs2136377906, ClinGen allele CA476676492.

ClinVar aggregate classification (germline): Benign/Likely benign. Review status: criteria provided, multiple submitters, no conflicts (2 of 4 stars). 3 submissions from 3 submitters: Benign (1); Likely benign (2). Last evaluated 2024-06-12.

Conditions:
Hereditary cancer-predisposing syndrome. Also called: Hereditary neoplastic syndrome; Neoplastic Syndromes, Hereditary; Tumor predisposition; Hereditary Cancer Syndrome. Identifiers: Orphanet 140162, MedGen C0027672, MeSH D009386, MONDO:0015356.
Familial cancer of breast. Also called: Hereditary breast cancer; hereditary breast carcinoma; BREAST CANCER, FAMILIAL. Identifiers: Orphanet 227535, MedGen C0346153, MONDO:0016419, OMIM 114480. Disease mechanism: loss of function.
Ataxia-telangiectasia syndrome (AT). Also called: Ataxia telangiectasia (A-T); LOUIS-BAR SYNDROME; Cerebello-oculocutaneous telangiectasia; Immunodeficiency with ataxia telangiectasia; Ataxia-telangiectasia, complementation group D; AT, COMPLEMENTATION GROUP C. Identifiers: Orphanet 100, MedGen C0004135, MONDO:0008840, OMIM 208900.

Submissions (3):

Myriad Genetics, Inc.
Classification: Benign for Familial cancer of breast. Last evaluated: 2024-06-12. Review status: criteria provided, single submitter. Criteria: Myriad Autosomal Dominant, Autosomal Recessive and X-Linked Classification Criteria (2023). Collection method: clinical testing. Allele origin: unknown.
Comment: This variant is considered benign. This variant is a silent/synonymous amino acid change and it is not expected to impact splicing.

Labcorp Genetics (formerly Invitae), Labcorp
Classification: Likely benign for Ataxia-telangiectasia syndrome. Last evaluated: 2022-06-14. Review status: criteria provided, single submitter. Criteria: Invitae Variant Classification Sherloc (09022015). Collection method: clinical testing. Allele origin: germline.

Ambry Genetics
Classification: Likely benign for Hereditary cancer-predisposing syndrome. Last evaluated: 2021-06-14. Review status: criteria provided, single submitter. Criteria: Ambry Variant Classification Scheme 2023. Collection method: clinical testing. Allele origin: germline.